The following is an entry in ClinVar:

ClinVar aggregate classification (germline): Uncertain significance (1 of 4 stars; one submission).

Conditions:
Tuberous sclerosis 2 (TSC2). Identifiers: Orphanet 805, MedGen C1860707, MONDO:0013199, OMIM 613254.

Submission:

Labcorp Genetics (formerly Invitae), Labcorp
Classification: Uncertain significance for Tuberous sclerosis 2. Last evaluated: 2021-04-02. Review status: criteria provided, single submitter. Criteria: Invitae Variant Classification Sherloc (09022015). Collection method: clinical testing. Allele origin: germline.
Comment: In summary, the available evidence is currently insufficient to determine the role of this variant in disease. Therefore, it has been classified as a Variant of Uncertain Significance. Advanced modeling of protein sequence and biophysical properties (such as structural, functional, and spatial information, amino acid conservation, physicochemical variation, residue mobility, and thermodynamic stability) performed at Invitae indicates that this missense variant is not expected to disrupt TSC2 protein function. This variant has not been reported in the literature in individuals with TSC2-related conditions. This variant is not present in population databases (ExAC no frequency). This sequence change replaces proline with threonine at codon 1781 of the TSC2 protein (p.Pro1781Thr). The proline residue is moderately conserved and there is a small physicochemical difference between proline and threonine.

NM_000548.5(TSC2):c.5341C>A (p.Pro1781Thr)

Gene: TSC2 (TSC complex subunit 2; plus strand). Cytogenetic location: 16p13.3.
Variant type: single nucleotide variant.
Coding change: c.5341C>A on transcript NM_000548.5 (MANE Select); coding-DNA position 5341, C replaced by A.
Protein change: p.Pro1781Thr; replaces proline 1781 with threonine.
Molecular consequence: missense variant.
Genome position (GRCh38, 1-based): chr16:2,088,527, C>A. VCF-style: chr16-2088527-C-A. GRCh37 (hg19) VCF-style: chr16-2138528-C-A.
Other names: c.5140C>A, p.Pro1714Thr (NM_001077183.3); c.5272C>A, p.Pro1758Thr (NM_001114382.3); c.5032C>A, p.Pro1678Thr (NM_001318827.2); c.4996C>A, p.Pro1666Thr (NM_001318829.2); c.4609C>A, p.Pro1537Thr (NM_001318831.2); c.5173C>A, p.Pro1725Thr (NM_001318832.2); c.5143C>A, p.Pro1715Thr (NM_001363528.2); c.5209C>A, p.Pro1737Thr (NM_001370404.1); and 2 more; short protein forms P1715T, P1714T, P1725T, P1738T, P1781T, P1537T, P1666T, P1678T.
Identifiers: ClinVar variation 1440541 (VCV001440541.8), dbSNP rs1555441410, ClinGen allele CA394315676.
Genomic context (GRCh38, chr16:2,088,527, plus strand): 5'-TCCAACCCCAGCCTACCTCTGGTGCACCCTCCGTCCCATAGCAAAGCCCCTGCACAGACT[C>A]CAGCCGAGCCCACACCTGGCTATGAGGTGGGCCAGCGGAAGCGCCTCATCTCCTCGGTGG-3'
Protein context (NP_000539.2, residues 1771-1791): PSHSKAPAQT[Pro1781Thr]AEPTPGYEVG